The following is an entry in ClinVar:

ClinVar aggregate classification (germline): Uncertain significance (1 of 4 stars; one submission).

Conditions:
POLD1-related polyposis and colorectal cancer syndrome (CRCS10). Also called: Colorectal cancer 10; COLORECTAL CANCER, SUSCEPTIBILITY TO, ON CHROMOSOME 19q; Colorectal cancer, susceptibility to, 10. Identifiers: Orphanet 220460, MedGen C2675481, MONDO:0012953, OMIM 612591.

Allele frequency attached by ClinVar (database versions not stated): TOPMed 0.00001.
gnomAD v4.1: 1 of 1,611,596 alleles (0.000062%); highest among the groups gnomAD compares: Non-Finnish European, 0.000085%; no homozygotes.

Submission:

Labcorp Genetics (formerly Invitae), Labcorp
Classification: Uncertain significance for POLD1-related polyposis and colorectal cancer syndrome. Last evaluated: 2022-08-15. Review status: criteria provided, single submitter. Criteria: Invitae Variant Classification Sherloc (09022015). Collection method: clinical testing. Allele origin: germline.
Comment: This variant is not present in population databases (gnomAD no frequency). This sequence change falls in intron 10 of the POLD1 gene. It does not directly change the encoded amino acid sequence of the POLD1 protein. This variant has not been reported in the literature in individuals affected with POLD1-related conditions. In summary, the available evidence is currently insufficient to determine the role of this variant in disease. Therefore, it has been classified as a Variant of Uncertain Significance. Algorithms developed to predict the effect of sequence changes on RNA splicing suggest that this variant may create or strengthen a splice site. ClinVar contains an entry for this variant (Variation ID: 1036404).

NM_002691.4(POLD1):c.1243-6C>A

Gene: POLD1 (DNA polymerase delta 1, catalytic subunit; plus strand). Cytogenetic location: 19q13.33.
Variant type: single nucleotide variant.
Coding change: c.1243-6C>A on transcript NM_002691.4 (MANE Select); 6 bases into the intron before coding-DNA position 1243, C replaced by A.
Molecular consequence: intron variant.
Genome position (GRCh38, 1-based): chr19:50,406,176, C>A. VCF-style: chr19-50406176-C-A. GRCh37 (hg19) VCF-style: chr19-50909433-C-A.
Other names: c.1243-6C>A (NM_001256849.1, NM_001308632.1).
Identifiers: ClinVar variation 1036404 (VCV001036404.10), dbSNP rs761914051, ClinGen allele CA309601749.